The following is an entry in ClinVar:

ClinVar aggregate classification (germline): Uncertain significance (1 of 4 stars; one submission).

Submission:

Labcorp Genetics (formerly Invitae), Labcorp
Classification: Uncertain significance. Last evaluated: 2021-08-28. Review status: criteria provided, single submitter. Criteria: Invitae Variant Classification Sherloc (09022015). Collection method: clinical testing. Allele origin: germline.
Comment: This sequence change replaces glycine with serine at codon 585 of the SLC19A1 protein (p.Gly585Ser). The glycine residue is weakly conserved and there is a small physicochemical difference between glycine and serine. This variant is present in population databases (rs144916610, ExAC 0.01%). This variant has not been reported in the literature in individuals affected with SLC19A1-related conditions. Algorithms developed to predict the effect of missense changes on protein structure and function output the following: SIFT: "Deleterious"; PolyPhen-2: "Benign"; Align-GVGD: "Class C0". The serine amino acid residue is found in multiple mammalian species, which suggests that this missense change does not adversely affect protein function. In summary, the available evidence is currently insufficient to determine the role of this variant in disease. Therefore, it has been classified as a Variant of Uncertain Significance.

NM_194255.4(SLC19A1):c.1753G>A (p.Gly585Ser)

Gene: SLC19A1 (solute carrier family 19 member 1; minus strand). Cytogenetic location: 21q22.3.
Variant type: single nucleotide variant.
Coding change: c.1753G>A on transcript NM_194255.4 (MANE Select); coding-DNA position 1753, G replaced by A.
Protein change: p.Gly585Ser; replaces glycine 585 with serine.
Molecular consequence: missense variant. On other transcripts: intron variant (2).
Genome position (GRCh38, 1-based): chr21:45,515,681, C>T on the plus strand (G>A on the coding strand, the complement: SLC19A1 is on the minus strand). VCF-style: chr21-45515681-C-T. GRCh37 (hg19) VCF-style: chr21-46935595-C-T.
Other names: c.1633G>A, p.Gly545Ser (NM_001205207.3); c.1399G>A, p.Gly467Ser (NM_001352510.2); c.1753G>A, p.Gly585Ser (NM_001352512.2); c.1294-529G>A (NM_001352511.3, NM_001205206.4); short protein forms G585S, G467S, G545S.
Identifiers: ClinVar variation 1461634 (VCV001461634.6), dbSNP rs144916610, ClinGen allele CA10068216.